The following is an entry in ClinVar:

ClinVar aggregate classification (germline): Conflicting classifications of pathogenicity. Review status: criteria provided, conflicting classifications (1 of 4 stars). 11 submissions from 11 submitters: Uncertain significance (4); Likely benign (5). 2 of the submissions do not count toward it. Last evaluated 2026-09-01.

Conditions:
Deficiency of alpha-mannosidase (MANSA). Also called: Mannosidosis, alpha-, types I and II; LYSOSOMAL ALPHA-D-MANNOSIDASE DEFICIENCY; Alpha-Mannosidosis. Identifiers: Orphanet 61, MedGen C0024748, MONDO:0009561, OMIM 248500.
MAN2B1-related disorder. Also called: MAN2B1-related condition.

Allele frequency attached by ClinVar (database versions not stated): 1000 Genomes Project 30x 0.00016; 1000 Genomes Project 0.00020; ESP Exome Variant Server 0.00092; ExAC 0.00102; gnomAD exomes 0.00123 and 0.00179; gnomAD 0.00131 and 0.00132.
gnomAD v4.1: 2,788 of 1,613,084 alleles (0.17%); highest among the groups gnomAD compares: Non-Finnish European, 0.21%; 7 homozygotes.

Submissions (11):

CeGaT Center for Human Genetics Tuebingen
Classification: Likely benign. Last evaluated: 2026-09-01. Review status: criteria provided, single submitter. Criteria: CeGaT Center For Human Genetics Tuebingen Variant Classification Criteria Version 2. Collection method: clinical testing. Allele origin: germline. Affected: yes. Observed: 8 variant alleles.
Comment: MAN2B1: BP4

Labcorp Genetics (formerly Invitae), Labcorp
Classification: Likely benign for Deficiency of alpha-mannosidase. Last evaluated: 2026-02-01. Review status: criteria provided, single submitter. Criteria: Invitae Variant Classification Sherloc (09022015). Collection method: clinical testing. Allele origin: germline.

Blueprint Genetics
Classification: Likely benign. Last evaluated: 2024-11-18. Review status: criteria provided, single submitter. Criteria: ACMG Guidelines, 2015. Collection method: clinical testing. Allele origin: germline.

Women's Health and Genetics/Laboratory Corporation of America, LabCorp
Classification: Likely benign. Last evaluated: 2023-12-07. Review status: criteria provided, single submitter. Criteria: LabCorp Variant Classification Summary - May 2015. Collection method: clinical testing. Allele origin: germline.
Comment: Variant summary: MAN2B1 c.2260G>A (p.Glu754Lys) results in a conservative amino acid change located in the Glycosyl hydrolase family 38, C-terminal (IPR011682) of the encoded protein sequence. Four of five in-silico tools predict a benign effect of the variant on protein function. The variant allele was found at a frequency of 0.0012 in 251484 control chromosomes, predominantly at a frequency of 0.0019 within the Non-Finnish European subpopulation in the gnomAD database, including 2 homozygotes. The observed variant frequency within Non-Finnish European control individuals in the gnomAD database is approximately 1.2 fold of the estimated maximal expected allele frequency for a pathogenic variant in MAN2B1 causing Alpha-Mannosidosis phenotype (0.0016), strongly suggesting that the variant is a benign polymorphism found primarily in populations of Non-Finnish European origin. To our knowledge, no occurrence of c.2260G>A in individuals affected with Alpha-Mannosidosis and no experimental evidence demonstrating its impact on protein function have been reported. Seven submitters have cited clinical-significance assessments for this variant to ClinVar after 2014 and classified as benign/likely benign (n=4) and VUS (n=3). Based on the evidence outlined above, the variant was classified as likely benign.

Mayo Clinic Laboratories, Mayo Clinic
Classification: Uncertain significance. Last evaluated: 2023-05-16. Review status: criteria provided, single submitter. Criteria: ACMG Guidelines, 2015. Collection method: clinical testing. Allele origin: germline. Observed: 1 variant allele.
Comment: BS1

Department of Pathology and Laboratory Medicine, Sinai Health System
Classification: Uncertain significance for Deficiency of alpha-mannosidase. Last evaluated: 2021-12-22. Review status: criteria provided, single submitter. Criteria: ACMG Guidelines, 2015. Collection method: research. Allele origin: germline.

Genome-Nilou Lab
Classification: Likely benign for Deficiency of alpha-mannosidase. Last evaluated: 2021-09-05. Review status: criteria provided, single submitter. Criteria: ACMG Guidelines, 2015. Collection method: clinical testing. Allele origin: germline. Affected: no.

Illumina Laboratory Services, Illumina
Classification: Uncertain significance for Deficiency of alpha-mannosidase. Last evaluated: 2018-01-13. Review status: criteria provided, single submitter. Criteria: ICSL Variant Classification Criteria 13 December 2019. Collection method: clinical testing. Allele origin: germline.

Eurofins Ntd Llc (ga)
Classification: Uncertain significance. Last evaluated: 2017-06-27. Review status: criteria provided, single submitter. Criteria: EGL Classification Definitions 2015. Collection method: clinical testing. Allele origin: germline. Observed: 1 variant allele, 1 heterozygote.

PreventionGenetics, part of Exact Sciences
Classification: Likely benign for MAN2B1-related condition. Last evaluated: 2023-07-11. Review status: no assertion criteria provided. Collection method: clinical testing. Allele origin: germline. Not counted in ClinVar's aggregate classification.
Comment: This variant is classified as likely benign based on ACMG/AMP sequence variant interpretation guidelines (Richards et al. 2015 PMID: 25741868, with internal and published modifications).

Natera, Inc.
Classification: Benign for Alpha-mannosidosis. Last evaluated: 2019-11-11. Review status: no assertion criteria provided. Collection method: clinical testing. Allele origin: germline. Not counted in ClinVar's aggregate classification.

NM_000528.4(MAN2B1):c.2260G>A (p.Glu754Lys)

Gene: MAN2B1 (mannosidase alpha class 2B member 1; minus strand). Cytogenetic location: 19p13.13.
Variant type: single nucleotide variant.
Coding change: c.2260G>A on transcript NM_000528.4 (MANE Select); coding-DNA position 2260, G replaced by A.
Protein change: p.Glu754Lys; replaces glutamic acid 754 with lysine.
Molecular consequence: missense variant.
Genome position (GRCh38, 1-based): chr19:12,649,920, C>T on the plus strand (G>A on the coding strand, the complement: MAN2B1 is on the minus strand). VCF-style: chr19-12649920-C-T. GRCh37 (hg19) VCF-style: chr19-12760734-C-T.
Other names: p.Glu754Lys; c.2257G>A, p.Glu753Lys (NM_001173498.2); short protein forms E754K, E753K.
Identifiers: ClinVar variation 328262 (VCV000328262.73), dbSNP rs141212446, ClinGen allele CA9226146.